The following is an entry in ClinVar:

NM_001256789.3(CACNA1F):c.2591A>G (p.Asn864Ser)

Gene: CACNA1F (calcium voltage-gated channel subunit alpha1 F; minus strand). Cytogenetic location: Xp11.23.
Variant type: single nucleotide variant.
Coding change: c.2591A>G on transcript NM_001256789.3 (MANE Select); coding-DNA position 2591, A replaced by G.
Protein change: p.Asn864Ser; replaces asparagine 864 with serine.
Molecular consequence: missense variant.
Genome position (GRCh38, 1-based): chrX:49,219,403, T>C on the plus strand (A>G on the coding strand, the complement: CACNA1F is on the minus strand). VCF-style: chrX-49219403-T-C. GRCh37 (hg19) VCF-style: chrX-49075862-T-C.
Other names: c.2429A>G, p.Asn810Ser (NM_001256790.3); c.2624A>G, p.Asn875Ser (NM_005183.4); short protein forms N875S, N864S, N810S.
Identifiers: ClinVar variation 3681742 (VCV003681742.2).

ClinVar aggregate classification (germline): Uncertain significance (1 of 4 stars; one submission).

Submission:

Labcorp Genetics (formerly Invitae), Labcorp
Classification: Uncertain significance. Last evaluated: 2024-12-05. Review status: criteria provided, single submitter. Criteria: Invitae Variant Classification Sherloc (09022015). Collection method: clinical testing. Allele origin: germline.
Comment: This sequence change replaces asparagine, which is neutral and polar, with serine, which is neutral and polar, at codon 875 of the CACNA1F protein (p.Asn875Ser). This variant is present in population databases (no rsID available, gnomAD 0.008%). This variant has not been reported in the literature in individuals affected with CACNA1F-related conditions. Invitae Evidence Modeling of protein sequence and biophysical properties (such as structural, functional, and spatial information, amino acid conservation, physicochemical variation, residue mobility, and thermodynamic stability) indicates that this missense variant is not expected to disrupt CACNA1F protein function with a negative predictive value of 80%. In summary, the available evidence is currently insufficient to determine the role of this variant in disease. Therefore, it has been classified as a Variant of Uncertain Significance.